The following is an entry in ClinVar:

NM_000127.3(EXT1):c.538_539del (p.Leu181fs)

Gene: EXT1 (exostosin glycosyltransferase 1; minus strand). Cytogenetic location: 8q24.11.
Variant type: Microsatellite.
Coding change: c.538_539del on transcript NM_000127.3 (MANE Select); coding-DNA positions 538 to 539, 2 bases deleted (AG; older notation c.538_539delAG).
Protein change: p.Leu181fs; shifts the reading frame from leucine 181.
Molecular consequence: frameshift variant.
Genome position (GRCh38, 1-based): chr8:118,110,508-118,110,509, CT deleted on the plus strand (AG on the coding strand, the reverse complement: EXT1 is on the minus strand); deleting any 2 consecutive bases within chr8:118,110,508-118,110,511 gives the same sequence; the c. name uses the placement nearest the transcript's 3' end. VCF-style (leftmost placement, unchanged base first): chr8-118110507-ACT-A. GRCh37 (hg19) VCF-style: chr8-119122746-ACT-A.
Other names: c.538_539delAG (NM_000127.2); short protein forms L181fs.
Identifiers: ClinVar variation 265339 (VCV000265339.14), dbSNP rs886039486, ClinGen allele CA10588452.

ClinVar aggregate classification (germline): Pathogenic. Review status: criteria provided, multiple submitters, no conflicts (2 of 4 stars). 3 submissions from 3 submitters: Pathogenic (3). Last evaluated 2025-01-10.

Conditions:
Multiple congenital exostosis (EXT). Also called: MULTIPLE CARTILAGINOUS EXOSTOSES; Hereditary multiple osteochondromas; Multiple exostoses; Hereditary multiple exostoses; Hereditary multiple exostosis; Multiple osteochondromas. Identifiers: Orphanet 321, MedGen C0015306, MONDO:0005508, HP:0002762.
Chondrosarcoma. Also called: Chondrosarcoma, somatic. Identifiers: Orphanet 55880, MedGen C0008479, MONDO:0008977, OMIM 215300, HP:0006765.
Exostoses, multiple, type 1 (EXT1). Also called: Hereditary Multiple Osteochondromatosis, Type I; EXOSTOSES, MULTIPLE, TYPE I. Identifiers: MedGen CN263289, MONDO:0007585, OMIM 133700.

Submissions (3):

GeneDx
Classification: Pathogenic. Last evaluated: 2025-01-10. Review status: criteria provided, single submitter. Criteria: GeneDx Variant Classification Process June 2021. Collection method: clinical testing. Allele origin: germline. Affected: yes.
Comment: Frameshift variant predicted to result in protein truncation or nonsense mediated decay in a gene for which loss of function is a known mechanism of disease; Not observed at significant frequency in large population cohorts (gnomAD); This variant is associated with the following publications: (PMID: 34479984, 20813973, 22116208, 18165274)

Labcorp Genetics (formerly Invitae), Labcorp
Classification: Pathogenic for Multiple congenital exostosis. Last evaluated: 2023-01-18. Review status: criteria provided, single submitter. Criteria: Invitae Variant Classification Sherloc (09022015). Collection method: clinical testing. Allele origin: germline.
Comment: This sequence change creates a premature translational stop signal (p.Leu181Profs*7) in the EXT1 gene. It is expected to result in an absent or disrupted protein product. Loss-of-function variants in EXT1 are known to be pathogenic (PMID: 10679937, 11391482, 19810120). This variant is not present in population databases (gnomAD no frequency). This premature translational stop signal has been observed in individual(s) with multiple osteochondromas (PMID: 18165274, 20813973, 22116208). ClinVar contains an entry for this variant (Variation ID: 265339). For these reasons, this variant has been classified as Pathogenic.

Fulgent Genetics
Classification: Pathogenic for Exostoses, multiple, type 1; Chondrosarcoma. Last evaluated: 2021-09-28. Review status: criteria provided, single submitter. Criteria: ACMG Guidelines, 2015. Collection method: clinical testing. Allele origin: unknown.

Literature cited by the submitters: PubMed 10679937 (cited by Labcorp Genetics (formerly Invitae), Labcorp); PubMed 11391482 (cited by Labcorp Genetics (formerly Invitae), Labcorp); PubMed 19810120 (cited by Labcorp Genetics (formerly Invitae), Labcorp); PubMed 18165274 (cited by Labcorp Genetics (formerly Invitae), Labcorp); PubMed 20813973 (cited by Labcorp Genetics (formerly Invitae), Labcorp); PubMed 22116208 (cited by Labcorp Genetics (formerly Invitae), Labcorp).